The following is an entry in ClinVar:

ClinVar aggregate classification (germline): Uncertain significance (1 of 4 stars; one submission).

Conditions:
Hypertrophic cardiomyopathy. Also called: HYPERTROPHIC MYOCARDIOPATHY. Identifiers: Orphanet 217569, MedGen C0007194, MeSH D002312, MONDO:0005045, HP:0001639.

gnomAD v4.1: 1 of 1,551,550 alleles (0.000064%); highest among the groups gnomAD compares: East Asian, 0.0024%; no homozygotes.

Submission:

Agnes Ginges Centre for Molecular Cardiology, Centenary Institute
Classification: Uncertain significance for Hypertrophic cardiomyopathy. Last evaluated: 2018-10-15. Review status: criteria provided, single submitter. Criteria: ACMG Guidelines, 2015. Collection method: research. Allele origin: germline. Inheritance: Autosomal dominant inheritance. Affected: yes.
Comment: RBM20 Ser175Arg is absent from the Genome Aggregation Database. In silico tools PolyPhen2 and MutationTaster predict this variant to be a benign polymorphism. Based on this information we classify this as a variant of 'uncertain significance'.

NM_001134363.3(RBM20):c.523A>C (p.Ser175Arg)

Gene: RBM20 (RNA binding motif protein 20; plus strand). Cytogenetic location: 10q25.2.
Variant type: single nucleotide variant.
Coding change: c.523A>C on transcript NM_001134363.3 (MANE Select); coding-DNA position 523, A replaced by C.
Protein change: p.Ser175Arg; replaces serine 175 with arginine.
Molecular consequence: missense variant.
Genome position (GRCh38, 1-based): chr10:110,781,132, A>C. VCF-style: chr10-110781132-A-C. GRCh37 (hg19) VCF-style: chr10-112540890-A-C.
Other names: short protein forms S175R.
Identifiers: ClinVar variation 810761 (VCV000810761.2), dbSNP rs553309602, ClinGen allele CA378380941.